The following is an entry in ClinVar:

NM_031935.3(HMCN1):c.9455G>C (p.Ser3152Thr)

Gene: HMCN1 (hemicentin 1; plus strand). Cytogenetic location: 1q31.1.
Variant type: single nucleotide variant.
Coding change: c.9455G>C on transcript NM_031935.3 (MANE Select); coding-DNA position 9455, G replaced by C.
Protein change: p.Ser3152Thr; replaces serine 3152 with threonine.
Molecular consequence: missense variant.
Genome position (GRCh38, 1-based): chr1:186,088,154, G>C. VCF-style: chr1-186088154-G-C. GRCh37 (hg19) VCF-style: chr1-186057286-G-C.
Other names: short protein forms S3152T.
Identifiers: ClinVar variation 2223944 (VCV002223944.5), dbSNP rs748563747, ClinGen allele CA343921166.

ClinVar aggregate classification (germline): Uncertain significance. Review status: criteria provided, multiple submitters, no conflicts (2 of 4 stars). 2 submissions from 2 submitters: Uncertain significance (2). Last evaluated 2024-11-08.

gnomAD v4.1: 7 of 1,608,514 alleles (0.00044%); highest among the groups gnomAD compares: Admixed American, 0.0017%; no homozygotes.

Submissions (2):

Labcorp Genetics (formerly Invitae), Labcorp
Classification: Uncertain significance. Last evaluated: 2024-11-08. Review status: criteria provided, single submitter. Criteria: Invitae Variant Classification Sherloc (09022015). Collection method: clinical testing. Allele origin: germline.
Comment: This sequence change replaces serine, which is neutral and polar, with threonine, which is neutral and polar, at codon 3152 of the HMCN1 protein (p.Ser3152Thr). This variant is present in population databases (no rsID available, gnomAD 0.003%). This variant has not been reported in the literature in individuals affected with HMCN1-related conditions. ClinVar contains an entry for this variant (Variation ID: 2223944). An algorithm developed to predict the effect of missense changes on protein structure and function outputs the following: PolyPhen-2: "Benign". The threonine amino acid residue is found in multiple mammalian species, which suggests that this missense change does not adversely affect protein function. In summary, the available evidence is currently insufficient to determine the role of this variant in disease. Therefore, it has been classified as a Variant of Uncertain Significance.

Ambry Genetics
Classification: Uncertain significance. Last evaluated: 2021-10-12. Review status: criteria provided, single submitter. Criteria: Ambry Variant Classification Scheme 2023. Collection method: clinical testing. Allele origin: germline.